The following is an entry in ClinVar:

ClinVar aggregate classification (germline): Uncertain significance (1 of 4 stars; one submission).

Submission:

Labcorp Genetics (formerly Invitae), Labcorp
Classification: Uncertain significance. Last evaluated: 2022-06-20. Review status: criteria provided, single submitter. Criteria: Invitae Variant Classification Sherloc (09022015). Collection method: clinical testing. Allele origin: germline.
Comment: In summary, the available evidence is currently insufficient to determine the role of this variant in disease. Therefore, it has been classified as a Variant of Uncertain Significance. Algorithms developed to predict the effect of missense changes on protein structure and function are either unavailable or do not agree on the potential impact of this missense change (SIFT: "Deleterious"; PolyPhen-2: "Not Available"; Align-GVGD: "Class C0"). This sequence change replaces methionine, which is neutral and non-polar, with arginine, which is basic and polar, at codon 1125 of the PCLO protein (p.Met1125Arg). This variant is not present in population databases (gnomAD no frequency). This variant has not been reported in the literature in individuals affected with PCLO-related conditions.

NM_033026.6(PCLO):c.3374T>G (p.Met1125Arg)

Gene: PCLO (piccolo presynaptic cytomatrix protein; minus strand). Cytogenetic location: 7q21.11.
Variant type: single nucleotide variant.
Coding change: c.3374T>G on transcript NM_033026.6 (MANE Select); coding-DNA position 3374, T replaced by G.
Protein change: p.Met1125Arg; replaces methionine 1125 with arginine.
Molecular consequence: missense variant.
Genome position (GRCh38, 1-based): chr7:82,966,414, A>C on the plus strand (T>G on the coding strand, the complement: PCLO is on the minus strand). VCF-style: chr7-82966414-A-C. GRCh37 (hg19) VCF-style: chr7-82595730-A-C.
Other names: c.3374T>G, p.Met1125Arg (NM_014510.3); short protein forms M1125R.
Identifiers: ClinVar variation 1349968 (VCV001349968.8), dbSNP rs1251036818, ClinGen allele CA367933832.